The following is an entry in ClinVar:

ClinVar aggregate classification (germline): Benign/Likely benign. Review status: criteria provided, multiple submitters, no conflicts (2 of 4 stars). 4 submissions from 4 submitters: Benign (1); Likely benign (3). Last evaluated 2025-06-29.

Conditions:
Hereditary cancer-predisposing syndrome. Also called: Hereditary neoplastic syndrome; Tumor predisposition; Hereditary Cancer Syndrome; Neoplastic Syndromes, Hereditary. Identifiers: Orphanet 140162, MedGen C0027672, MeSH D009386, MONDO:0015356.
Familial cancer of breast. Also called: Hereditary breast cancer; hereditary breast carcinoma; BREAST CANCER, FAMILIAL. Identifiers: Orphanet 227535, MedGen C0346153, MONDO:0016419, OMIM 114480. Disease mechanism: loss of function.

Submissions (4):

Labcorp Genetics (formerly Invitae), Labcorp
Classification: Likely benign for Familial cancer of breast. Last evaluated: 2025-06-29. Review status: criteria provided, single submitter. Criteria: Invitae Variant Classification Sherloc (09022015). Collection method: clinical testing. Allele origin: germline.

Myriad Genetics, Inc.
Classification: Benign for Familial cancer of breast. Last evaluated: 2025-01-21. Review status: criteria provided, single submitter. Criteria: Myriad Autosomal Dominant, Autosomal Recessive and X-Linked Classification Criteria (2023). Collection method: clinical testing. Allele origin: unknown.
Comment: This variant is considered benign. This variant is a silent/synonymous amino acid change and it is not expected to impact splicing.

Ambry Genetics
Classification: Likely benign for Hereditary cancer-predisposing syndrome. Last evaluated: 2019-08-26. Review status: criteria provided, single submitter. Criteria: Ambry Variant Classification Scheme 2023. Collection method: clinical testing. Allele origin: germline.

Color Diagnostics, LLC DBA Color Health
Classification: Likely benign for Hereditary cancer-predisposing syndrome. Last evaluated: 2015-11-30. Review status: criteria provided, single submitter. Criteria: ACMG Guidelines, 2015. Collection method: clinical testing. Allele origin: germline.

NM_024675.4(PALB2):c.2877A>G (p.Val959=)

Gene: PALB2 (partner and localizer of BRCA2; minus strand). Cytogenetic location: 16p12.2.
Variant type: single nucleotide variant.
Coding change: c.2877A>G on transcript NM_024675.4 (MANE Select); coding-DNA position 2877, A replaced by G.
Protein change: p.Val959=; no amino-acid change (valine 959 retained).
Molecular consequence: synonymous variant.
Genome position (GRCh38, 1-based): chr16:23,623,088, T>C on the plus strand (A>G on the coding strand, the complement: PALB2 is on the minus strand). VCF-style: chr16-23623088-T-C. GRCh37 (hg19) VCF-style: chr16-23634409-T-C.
Identifiers: ClinVar variation 492202 (VCV000492202.16), dbSNP rs1060504710, ClinGen allele CA494180494.